The following is an entry in ClinVar:

NM_001349253.2(SCN11A):c.5206G>A (p.Gly1736Ser)

Gene: SCN11A (sodium voltage-gated channel alpha subunit 11; minus strand). Cytogenetic location: 3p22.2.
Variant type: single nucleotide variant.
Coding change: c.5206G>A on transcript NM_001349253.2 (MANE Select); coding-DNA position 5206, G replaced by A.
Protein change: p.Gly1736Ser; replaces glycine 1736 with serine.
Molecular consequence: missense variant.
Genome position (GRCh38, 1-based): chr3:38,846,864, C>T on the plus strand (G>A on the coding strand, the complement: SCN11A is on the minus strand). VCF-style: chr3-38846864-C-T. GRCh37 (hg19) VCF-style: chr3-38888355-C-T.
Other names: c.5206G>A, p.Gly1736Ser (NM_014139.3); short protein forms G1736S.
Identifiers: ClinVar variation 998947 (VCV000998947.5), dbSNP rs752885762, ClinGen allele CA2321376.
Genomic context (GRCh38, chr3:38,846,864, plus strand): 5'-GGTCACCCTTGGTCACCTTCATCATGTACTTTCGAAAGGCCTTTTGAATAATAGCAGCAC[C>T]TCTTTCCTCTTCCTTTCTCTTGGTGGTGGTGACTATGGGTTCATACAACTTCTTGAGAGG-3'
Protein context (NP_001336182.1, residues 1726-1746): TTTKRKEEER[Gly1736Ser]AAIIQKAFRK

ClinVar aggregate classification (germline): Uncertain significance (1 of 4 stars; one submission).

Conditions:
Hereditary sensory and autonomic neuropathy type 7. Also called: Neuropathy, hereditary sensory and autonomic, type VII; HSAN VII. Identifiers: Orphanet 391397, MedGen C3809882, MONDO:0014244, OMIM 615548.
Familial episodic pain syndrome with predominantly lower limb involvement. Also called: Episodic pain syndrome, familial, 3. Identifiers: Orphanet 391384, Orphanet 391392, MedGen C3809899, MONDO:0014247, OMIM 615552.

Allele frequency attached by ClinVar (database versions not stated): gnomAD exomes below 0.00001 and 0.00003; ExAC 0.00001; gnomAD 0.00001; TOPMed 0.00001.
gnomAD v4.1: 46 of 1,613,992 alleles (0.0029%); highest among the groups gnomAD compares: Non-Finnish European, 0.0037%; no homozygotes.

Submission:

Labcorp Genetics (formerly Invitae), Labcorp
Classification: Uncertain significance for Familial episodic pain syndrome with predominantly lower limb involvement; Hereditary sensory and autonomic neuropathy type 7. Last evaluated: 2020-03-15. Review status: criteria provided, single submitter. Criteria: Invitae Variant Classification Sherloc (09022015). Collection method: clinical testing. Allele origin: germline.
Comment: This sequence change replaces glycine with serine at codon 1736 of the SCN11A protein (p.Gly1736Ser). The glycine residue is weakly conserved and there is a small physicochemical difference between glycine and serine. This variant is present in population databases (rs752885762, ExAC 0.001%). This variant has not been reported in the literature in individuals with SCN11A-related conditions. Algorithms developed to predict the effect of missense changes on protein structure and function (SIFT, PolyPhen-2, Align-GVGD) all suggest that this variant is likely to be tolerated, but these predictions have not been confirmed by published functional studies and their clinical significance is uncertain. In summary, the available evidence is currently insufficient to determine the role of this variant in disease. Therefore, it has been classified as a Variant of Uncertain Significance.